The following is an entry in ClinVar:

NM_030665.4(RAI1):c.1582A>G (p.Ser528Gly)

Gene: RAI1 (retinoic acid induced 1; plus strand). Cytogenetic location: 17p11.2.
Variant type: single nucleotide variant.
Coding change: c.1582A>G on transcript NM_030665.4 (MANE Select); coding-DNA position 1582, A replaced by G.
Protein change: p.Ser528Gly; replaces serine 528 with glycine.
Molecular consequence: missense variant.
Genome position (GRCh38, 1-based): chr17:17,794,530, A>G. VCF-style: chr17-17794530-A-G. GRCh37 (hg19) VCF-style: chr17-17697844-A-G.
Other names: short protein forms S528G.
Identifiers: ClinVar variation 3942528 (VCV003942528.2).

ClinVar aggregate classification (germline): Uncertain significance. Review status: criteria provided, multiple submitters, no conflicts (2 of 4 stars). 2 submissions from 2 submitters: Uncertain significance (2). Last evaluated 2025-05-26.

Conditions:
RAI1-related disorder. Also called: RAI1-related condition.
Inborn genetic diseases. Identifiers: MedGen C0950123, MeSH D030342.

Submissions (2):

Ambry Genetics
Classification: Uncertain significance for Inborn genetic diseases. Last evaluated: 2025-05-26. Review status: criteria provided, single submitter. Criteria: Ambry Variant Classification Scheme 2023. Collection method: clinical testing. Allele origin: germline.

PreventionGenetics, part of Exact Sciences
Classification: Uncertain significance for RAI1-related condition. Last evaluated: 2024-10-11. Review status: criteria provided, single submitter. Criteria: ACMG Guidelines, 2015. Collection method: clinical testing. Allele origin: germline.
Comment: The RAI1 c.1582A>G variant is predicted to result in the amino acid substitution p.Ser528Gly. To our knowledge, this variant has not been reported in the literature or in a large population database (gnomAD), indicating this variant is rare. At this time, the clinical significance of this variant is uncertain due to the absence of conclusive functional and genetic evidence.